The following is an entry in ClinVar:

NM_181265.4(WDR17):c.1196T>C (p.Ile399Thr)

Gene: WDR17 (WD repeat domain 17; plus strand). Cytogenetic location: 4q34.2.
Variant type: single nucleotide variant.
Coding change: c.1196T>C on transcript NM_181265.4 (MANE Select); coding-DNA position 1196, T replaced by C.
Protein change: p.Ile399Thr; replaces isoleucine 399 with threonine.
Molecular consequence: missense variant.
Genome position (GRCh38, 1-based): chr4:176,135,205, T>C. VCF-style: chr4-176135205-T-C. GRCh37 (hg19) VCF-style: chr4-177056356-T-C.
Other names: c.1268T>C, p.Ile423Thr (NM_001350727.2, NM_001378103.1, NM_170710.5); c.1196T>C, p.Ile399Thr (NM_001378104.1, NM_001378105.1, NM_001378106.1); short protein forms I399T, I423T.
Identifiers: ClinVar variation 2655197 (VCV002655197.24), dbSNP rs147125405, ClinGen allele CA3144047.

ClinVar aggregate classification (germline): Likely benign (1 of 4 stars; one submission).

Allele frequency attached by ClinVar (database versions not stated): 1000 Genomes Project 30x 0.00094; 1000 Genomes Project 0.00120; TOPMed 0.00265; ExAC 0.00302; gnomAD 0.00313; gnomAD exomes 0.00378; ESP Exome Variant Server 0.00392.
gnomAD v4.1: 6,006 of 1,612,434 alleles (0.37%); highest among the groups gnomAD compares: Middle Eastern, 0.76%; 16 homozygotes.

Submission:

CeGaT Center for Human Genetics Tuebingen
Classification: Likely benign. Last evaluated: 2023-04-01. Review status: criteria provided, single submitter. Criteria: CeGaT Center For Human Genetics Tuebingen Variant Classification Criteria Version 2. Collection method: clinical testing. Allele origin: germline. Affected: yes. Observed: 1 variant allele.
Comment: WDR17: BS2